The following is an entry in ClinVar:

NM_003737.4(DCHS1):c.6307A>G (p.Thr2103Ala)

Gene: DCHS1 (dachsous cadherin-related 1; minus strand). Cytogenetic location: 11p15.4.
Variant type: single nucleotide variant.
Coding change: c.6307A>G on transcript NM_003737.4 (MANE Select); coding-DNA position 6307, A replaced by G.
Protein change: p.Thr2103Ala; replaces threonine 2103 with alanine.
Molecular consequence: missense variant.
Genome position (GRCh38, 1-based): chr11:6,626,609, T>C on the plus strand (A>G on the coding strand, the complement: DCHS1 is on the minus strand). VCF-style: chr11-6626609-T-C. GRCh37 (hg19) VCF-style: chr11-6647840-T-C.
Other names: c.6307A>G (NM_003737.3, NM_003737.2); short protein forms T2103A.
Identifiers: ClinVar variation 2176684 (VCV002176684.7), dbSNP rs769006621, ClinGen allele CA5859892.

ClinVar aggregate classification (germline): Conflicting classifications of pathogenicity. Review status: criteria provided, conflicting classifications (1 of 4 stars). 3 submissions from 3 submitters: Uncertain significance (2); Likely benign (1). Last evaluated 2026-06-01.

Conditions:
Inborn genetic diseases. Identifiers: MedGen C0950123, MeSH D030342.

Allele frequency attached by ClinVar (database versions not stated): TOPMed 0.00006; gnomAD 0.00005; ExAC 0.00003; gnomAD exomes 0.00019.
gnomAD v4.1: 281 of 1,613,690 alleles (0.017%); highest among the groups gnomAD compares: Non-Finnish European, 0.023%; no homozygotes.

Submissions (3):

Ambry Genetics
Classification: Likely benign for Inborn genetic diseases. Last evaluated: 2026-06-01. Review status: criteria provided, single submitter. Criteria: Ambry Variant Classification Scheme 2023. Collection method: clinical testing. Allele origin: germline.

Labcorp Genetics (formerly Invitae), Labcorp
Classification: Uncertain significance. Last evaluated: 2026-01-04. Review status: criteria provided, single submitter. Criteria: Invitae Variant Classification Sherloc (09022015). Collection method: clinical testing. Allele origin: germline.
Comment: This sequence change replaces threonine, which is neutral and polar, with alanine, which is neutral and non-polar, at codon 2103 of the DCHS1 protein (p.Thr2103Ala). This variant is present in population databases (rs769006621, gnomAD 0.01%). This variant has not been reported in the literature in individuals affected with DCHS1-related conditions. ClinVar contains an entry for this variant (Variation ID: 2176684). Invitae Evidence Modeling of protein sequence and biophysical properties (such as structural, functional, and spatial information, amino acid conservation, physicochemical variation, residue mobility, and thermodynamic stability) indicates that this missense variant is not expected to disrupt DCHS1 protein function with a negative predictive value of 80%. In summary, the available evidence is currently insufficient to determine the role of this variant in disease. Therefore, it has been classified as a Variant of Uncertain Significance.

GeneDx
Classification: Uncertain significance. Last evaluated: 2024-05-30. Review status: criteria provided, single submitter. Criteria: GeneDx Variant Classification Process June 2021. Collection method: clinical testing. Allele origin: germline. Affected: yes.
Comment: In silico analysis supports that this missense variant has a deleterious effect on protein structure/function; Has not been previously published as pathogenic or benign to our knowledge